The following is an entry in ClinVar:

NM_001308210.2(TSHZ1):c.2506G>A (p.Ala836Thr)

Gene: TSHZ1 (teashirt zinc finger homeobox 1; plus strand). Cytogenetic location: 18q22.3.
Variant type: single nucleotide variant.
Coding change: c.2506G>A on transcript NM_001308210.2 (MANE Select); coding-DNA position 2506, G replaced by A.
Protein change: p.Ala836Thr; replaces alanine 836 with threonine.
Molecular consequence: missense variant.
Genome position (GRCh38, 1-based): chr18:75,287,913, G>A. VCF-style: chr18-75287913-G-A. GRCh37 (hg19) VCF-style: chr18-72999868-G-A.
Other names: c.2371G>A, p.Ala791Thr (NM_005786.6); short protein forms A791T, A836T.
Identifiers: ClinVar variation 3336465 (VCV003336465.1), dbSNP rs146956711.

ClinVar aggregate classification (germline): Uncertain significance (1 of 4 stars; one submission).

Allele frequency attached by ClinVar (database versions not stated): ExAC 0.00008; ESP Exome Variant Server 0.00008; gnomAD exomes 0.00010; TOPMed 0.00012; gnomAD 0.00013; 1000 Genomes Project 0.00020.
gnomAD v4.1: 244 of 1,614,190 alleles (0.015%); highest among the groups gnomAD compares: Non-Finnish European, 0.019%; 2 homozygotes.

Submission:

Women's Health and Genetics/Laboratory Corporation of America, LabCorp
Classification: Uncertain significance. Last evaluated: 2024-05-31. Review status: criteria provided, single submitter. Criteria: LabCorp Variant Classification Summary - May 2015. Collection method: clinical testing. Allele origin: germline.
Comment: Variant summary: TSHZ1 c.2371G>A (p.Ala791Thr) results in a non-conservative amino acid change in the encoded protein sequence. Three of four in-silico tools predict a damaging effect of the variant on protein function. The variant allele was found at a frequency of 9.6e-05 in 251280 control chromosomes, predominantly at a frequency of 0.00018 within the Non-Finnish European subpopulation in the gnomAD database. This frequency is not significantly higher than estimated for a pathogenic variant in TSHZ1 causing Aural Atresia, Congenital, allowing no conclusion about variant significance. To our knowledge, no occurrence of c.2371G>A in individuals affected with Aural Atresia, Congenital and no experimental evidence demonstrating its impact on protein function have been reported. No submitters have cited clinical-significance assessments for this variant to ClinVar. Based on the evidence outlined above, the variant was classified as uncertain significance.